The following is an entry in ClinVar:

NM_145698.5(ACBD5):c.1467G>A (p.Trp489Ter)

Gene: ACBD5 (acyl-CoA binding domain containing 5; minus strand). Cytogenetic location: 10p12.1.
Variant type: single nucleotide variant.
Coding change: c.1467G>A on transcript NM_145698.5 (MANE Select); coding-DNA position 1467, G replaced by A.
Protein change: p.Trp489Ter; replaces tryptophan 489 with a stop codon.
Molecular consequence: nonsense.
Genome position (GRCh38, 1-based): chr10:27,204,538, C>T on the plus strand (G>A on the coding strand, the complement: ACBD5 is on the minus strand). VCF-style: chr10-27204538-C-T. GRCh37 (hg19) VCF-style: chr10-27493467-C-T.
Other names: c.1362G>A, p.Trp454Ter (NM_001042473.4, NM_001352577.2, NM_001352578.2 and 1 more transcripts); c.1461G>A, p.Trp487Ter (NM_001271512.3); c.1140G>A, p.Trp380Ter (NM_001301251.2, NM_001301252.2, NM_001301253.2 and 2 more transcripts); c.936G>A, p.Trp312Ter (NM_001301254.2); c.1521G>A, p.Trp507Ter (NM_001352568.1); c.1500G>A, p.Trp500Ter (NM_001352569.1); c.1467G>A, p.Trp489Ter (NM_001352570.1); c.1494G>A, p.Trp498Ter (NM_001352571.1); and 10 more; short protein forms W489*, W391*, W421*, W430*, W507*, W432*, W380*, W419*.
Identifiers: ClinVar variation 620428 (VCV000620428.7), dbSNP rs1564574359, ClinGen allele CA376372848.

ClinVar aggregate classification (germline): Conflicting classifications of pathogenicity. Review status: criteria provided, conflicting classifications (1 of 4 stars). 3 submissions from 3 submitters: Pathogenic (2); Uncertain significance (1). Last evaluated 2022-08-08.

Submissions (3):

Labcorp Genetics (formerly Invitae), Labcorp
Classification: Pathogenic. Last evaluated: 2022-08-08. Review status: criteria provided, single submitter. Criteria: Invitae Variant Classification Sherloc (09022015). Collection method: clinical testing. Allele origin: germline.
Comment: This sequence change creates a premature translational stop signal (p.Trp489*) in the ACBD5 gene. It is expected to result in an absent or disrupted protein product. Loss-of-function variants in ACBD5 are known to be pathogenic (PMID: 23105016, 27799409). This variant is not present in population databases (gnomAD no frequency). This premature translational stop signal has been observed in individual(s) with retinal dystrophy and leukodystrophy (PMID: 33427402). ClinVar contains an entry for this variant (Variation ID: 620428). For these reasons, this variant has been classified as Pathogenic.

Laboratorio de Genetica e Diagnostico Molecular, Hospital Israelita Albert Einstein
Classification: Uncertain significance. Last evaluated: 2021-03-25. Review status: criteria provided, single submitter. Criteria: ACMG Guidelines, 2015. Collection method: clinical testing. Allele origin: germline. Affected: yes.
Comment: ACMG classification criteria: PM2, PP5

GeneDx
Classification: Pathogenic. Last evaluated: 2018-10-19. Review status: criteria provided, single submitter. Criteria: GeneDx Variant Classification (06012015). Collection method: clinical testing. Allele origin: germline. Affected: yes.
Comment: The W489X pathogenic variant in the ACBD5 gene has not been reported previously as a pathogenic variant, nor as a benign variant, to our knowledge. This variant is predicted to cause loss of normal protein function either through protein truncation or nonsense-mediated mRNA decay. The W489X variant is not observed in large population cohorts (Lek et al., 2016). We interpret W489X as a pathogenic variant.

Literature cited by the submitters: PubMed 23105016 (cited by Labcorp Genetics (formerly Invitae), Labcorp); PubMed 27799409 (cited by Labcorp Genetics (formerly Invitae), Labcorp); PubMed 33427402 (cited by Labcorp Genetics (formerly Invitae), Labcorp).